The following is an entry in ClinVar:

NM_006922.4(SCN3A):c.4544T>G (p.Phe1515Cys)

Gene: SCN3A (sodium voltage-gated channel alpha subunit 3; minus strand). Cytogenetic location: 2q24.3.
Variant type: single nucleotide variant.
Coding change: c.4544T>G on transcript NM_006922.4 (MANE Select); coding-DNA position 4544, T replaced by G.
Protein change: p.Phe1515Cys; replaces phenylalanine 1515 with cysteine.
Molecular consequence: missense variant.
Genome position (GRCh38, 1-based): chr2:165,092,517, A>C on the plus strand (T>G on the coding strand, the complement: SCN3A is on the minus strand). VCF-style: chr2-165092517-A-C. GRCh37 (hg19) VCF-style: chr2-165949027-A-C.
Other names: c.4397T>G, p.Phe1466Cys (NM_001081676.2, NM_001081677.2); short protein forms F1466C, F1515C.
Identifiers: ClinVar variation 3234020 (VCV003234020.1), dbSNP rs2468048049, ClinGen allele CA349019485.
Genomic context (GRCh38, chr2:165,092,517, plus strand): 5'-AGGATCATGATGCTGATATCAAAGACTTGTCTGGTTACAAAATCAAAGACCATTCCTTGG[A>C]ATTTGTTCTAGAAAGTGAGAGAAGAGAAATAAGGTTACTATATATATTTCATAAAGAATA-3'
Protein context (NP_008853.3, residues 1505-1525): QKPIPRPANK[Phe1515Cys]QGMVFDFVTR

ClinVar aggregate classification (germline): Uncertain significance (1 of 4 stars; one submission).

Conditions:
Developmental and epileptic encephalopathy, 62. Also called: Early infantile epileptic encephalopathy 62. Identifiers: MedGen C4693699, MONDO:0033371, OMIM 617938.

Submission:

MVZ Medizinische Genetik Mainz
Classification: Uncertain significance for Developmental and epileptic encephalopathy, 62. Last evaluated: 2023-02-07. Review status: criteria provided, single submitter. Criteria: UK Practice Guidelines For Variant Classification V4 01 2020. Collection method: clinical testing. Allele origin: germline. Inheritance: Autosomal dominant inheritance. Affected: yes. Observed: 1 variant allele.
Comment: ACMG Criteria: PM2_SUP, PP2, PP3 (ACMG Version 4)